The following is an entry in ClinVar:

NM_018951.4(HOXA10):c.135_155del (p.42AGGGGGG[1])

Genes: HOXA10 (homeobox A10; minus strand), HOXA10-HOXA9 (HOXA10-HOXA9 readthrough; minus strand). Cytogenetic location: 7p15.2.
Variant type: Deletion.
Coding change: c.135_155del on transcript NM_018951.4 (MANE Select); coding-DNA positions 135 to 155, 21 bases deleted (TGGTGGTGGCGCGGGGGGCGG).
Protein change: p.42AGGGGGG[1].
Genome position (GRCh38, 1-based): chr7:27,174,152-27,174,172, CCGCCCCCCGCGCCACCACCA deleted on the plus strand (TGGTGGTGGCGCGGGGGGCGG on the coding strand, the reverse complement: HOXA10 is on the minus strand); deleting any 21 consecutive bases within chr7:27,174,152-27,174,177 gives the same sequence; the c. name uses the placement nearest the transcript's 3' end. VCF-style (leftmost placement, unchanged base first): chr7-27174151-GCCGCCCCCCGCGCCACCACCA-G. GRCh37 (hg19) VCF-style: chr7-27213770-GCCGCCCCCCGCGCCACCACCA-G.
Identifiers: ClinVar variation 3047042 (VCV003047042.2), dbSNP rs759973639, ClinGen allele CA4198188.

ClinVar aggregate classification (germline): Likely benign (0 of 4 stars; one submission).

Conditions:
HOXA10-related disorder. Also called: HOXA10-related condition.

Submission:

PreventionGenetics, part of Exact Sciences
Classification: Likely benign for HOXA10-related condition. Last evaluated: 2022-12-28. Review status: no assertion criteria provided. Collection method: clinical testing. Allele origin: germline.
Comment: This variant is classified as likely benign based on ACMG/AMP sequence variant interpretation guidelines (Richards et al. 2015 PMID: 25741868, with internal and published modifications).